The following is an entry in ClinVar:

NM_006846.4(SPINK5):c.1607+5G>A

Gene: SPINK5 (serine peptidase inhibitor Kazal type 5; plus strand). Cytogenetic location: 5q32.
Variant type: single nucleotide variant.
Coding change: c.1607+5G>A on transcript NM_006846.4 (MANE Select); 5 bases into the intron after coding-DNA position 1607, G replaced by A.
Molecular consequence: intron variant.
Genome position (GRCh38, 1-based): chr5:148,107,169, G>A. VCF-style: chr5-148107169-G-A. GRCh37 (hg19) VCF-style: chr5-147486732-G-A.
Other names: c.1607+5G>A (NM_001127698.2, NM_001127699.2).
Identifiers: ClinVar variation 1039104 (VCV001039104.5), dbSNP rs1212523917, ClinGen allele CA805408758.

ClinVar aggregate classification (germline): Uncertain significance (1 of 4 stars; one submission).

Conditions:
Ichthyosis linearis circumflexa. Identifiers: MedGen C0265962, MONDO:0043106, HP:0025810.

Allele frequency attached by ClinVar (database versions not stated): gnomAD exomes below 0.00001; TOPMed below 0.00001; gnomAD 0.00001.
gnomAD v4.1: 5 of 1,611,110 alleles (0.00031%); highest among the groups gnomAD compares: South Asian, 0.0011%; no homozygotes.

Submission:

Labcorp Genetics (formerly Invitae), Labcorp
Classification: Uncertain significance for Ichthyosis linearis circumflexa. Last evaluated: 2020-08-07. Review status: criteria provided, single submitter. Criteria: Invitae Variant Classification Sherloc (09022015). Collection method: clinical testing. Allele origin: germline.
Comment: In summary, the available evidence is currently insufficient to determine the role of this variant in disease. Therefore, it has been classified as a Variant of Uncertain Significance. Nucleotide substitutions within the consensus splice site are a relatively common cause of aberrant splicing (PMID: 17576681, 9536098). Algorithms developed to predict the effect of sequence changes on RNA splicing suggest that this variant may disrupt the consensus splice site, but this prediction has not been confirmed by published transcriptional studies. This variant has not been reported in the literature in individuals with SPINK5-related conditions. This variant is not present in population databases (ExAC no frequency). This sequence change falls in intron 17 of the SPINK5 gene. It does not directly change the encoded amino acid sequence of the SPINK5 protein, but it affects a nucleotide within the consensus splice site of the intron.

Literature cited by the submitters: PubMed 17576681; PubMed 9536098.